The following is an entry in ClinVar:

ClinVar aggregate classification (germline): Likely pathogenic (1 of 4 stars; one submission).

Conditions:
Fabry disease. Also called: ALPHA-GALACTOSIDASE A DEFICIENCY; ANDERSON-FABRY DISEASE; CERAMIDE TRIHEXOSIDASE DEFICIENCY; GLA DEFICIENCY; HEREDITARY DYSTOPIC LIPIDOSIS; Angiokeratoma corporis diffusum. Identifiers: Orphanet 324, MedGen C0002986, MONDO:0010526, OMIM 301500, HP:0001071. Disease mechanism: Fabry disease is due to inactivating mutations in the X-linked GLA gene resulting in deficiency of the enzyme Alpha Galactosidase-A., loss of function.

Submission:

Genomenon, Inc
Classification: Likely pathogenic for Fabry disease. Last evaluated: 2026-09-08. Review status: criteria provided, single submitter. Criteria: Genomenon Sequence Variant Interpretation Standards - Updated. Collection method: curation. Allele origin: germline. Affected: yes.
Comment: GLA p.Glu358Ala (c.1073A>C) is a missense variant that changes the amino acid at codon 358 from Glutamic acid to Alanine. This variant has been observed in at least one proband with clinical features consistent with Fabry disease (PMID:16595074). At least one functional study has demonstrated a substantial alteration in protein function relative to the wild-type (PMID:21598360;27657681). It is absent or not present at a significant frequency in gnomAD. In silico models predict that this variant is possibly or probably damaging. In conclusion, we classify GLA p.Glu358Ala (c.1073A>C) as a likely pathogenic variant.

Literature cited by the submitters: PubMed 16595074; PubMed 21598360; PubMed 27657681.

NM_000169.3(GLA):c.1073A>C (p.Glu358Ala)

Genes: GLA (galactosidase alpha; minus strand), RPL36A-HNRNPH2 (RPL36A-HNRNPH2 readthrough; plus strand). Cytogenetic location: Xq22.1.
Variant type: single nucleotide variant.
Coding change: c.1073A>C on transcript NM_000169.3 (MANE Select); coding-DNA position 1073, A replaced by C.
Protein change: p.Glu358Ala; replaces glutamic acid 358 with alanine.
Molecular consequence: missense variant. On other transcripts: non-coding transcript variant (3), intron variant (2).
Genome position (GRCh38, 1-based): chrX:101,398,026, T>G on the plus strand (A>C on the coding strand, the complement: GLA is on the minus strand). VCF-style: chrX-101398026-T-G. GRCh37 (hg19) VCF-style: chrX-100653014-T-G.
Other names: c.1196A>C, p.Glu399Ala (NM_001406747.1); c.300+2569T>G (NM_001199973.2); c.177+6204T>G (NM_001199974.2); short protein forms E358A, E399A.
Identifiers: ClinVar variation 4087631 (VCV004087631.2).